The following is an entry in ClinVar:

NM_031885.5(BBS2):c.1397+2T>C

Gene: BBS2 (Bardet-Biedl syndrome 2; minus strand). Cytogenetic location: 16q13.
Variant type: single nucleotide variant.
Coding change: c.1397+2T>C on transcript NM_031885.5 (MANE Select); the canonical splice donor site of the intron after coding-DNA position 1397, T replaced by C.
Molecular consequence: splice donor variant.
Genome position (GRCh38, 1-based): chr16:56,500,852, A>G on the plus strand (T>C on the coding strand, the complement: BBS2 is on the minus strand). VCF-style: chr16-56500852-A-G. GRCh37 (hg19) VCF-style: chr16-56534764-A-G.
Other names: c.1397+2T>C (NM_001377456.1).
Identifiers: ClinVar variation 2064812 (VCV002064812.5), dbSNP rs779506379, ClinGen allele CA8065754.

ClinVar aggregate classification (germline): Likely pathogenic. Review status: criteria provided, multiple submitters, no conflicts (2 of 4 stars). 2 submissions from 2 submitters: Likely pathogenic (2). Last evaluated 2023-06-11.

Conditions:
Bardet-Biedl syndrome (BBS). Identifiers: Orphanet 110, MedGen C0752166, MONDO:0015229.
Bardet-Biedl syndrome 2 (BBS2). Identifiers: Orphanet 110, MedGen C2936863, MONDO:0014432, OMIM 615981.

Allele frequency attached by ClinVar (database versions not stated): gnomAD exomes below 0.00001; ExAC 0.00001.
gnomAD v4.1: 1 of 1,613,978 alleles (0.000062%); highest among the groups gnomAD compares: East Asian, 0.0022%; no homozygotes.

Submissions (2):

Baylor Genetics
Classification: Likely pathogenic for Bardet-Biedl syndrome 2. Last evaluated: 2023-06-11. Review status: criteria provided, single submitter. Criteria: ACMG Guidelines, 2015. Collection method: clinical testing. Allele origin: unknown.

Labcorp Genetics (formerly Invitae), Labcorp
Classification: Likely pathogenic for Bardet-Biedl syndrome. Last evaluated: 2021-12-29. Review status: criteria provided, single submitter. Criteria: Invitae Variant Classification Sherloc (09022015). Collection method: clinical testing. Allele origin: germline.
Comment: In summary, the currently available evidence indicates that the variant is pathogenic, but additional data are needed to prove that conclusively. Therefore, this variant has been classified as Likely Pathogenic. Algorithms developed to predict the effect of sequence changes on RNA splicing suggest that this variant may disrupt the consensus splice site. This variant has not been reported in the literature in individuals affected with BBS2-related conditions. This variant is present in population databases (rs779506379, gnomAD 0.006%). This sequence change affects a donor splice site in intron 11 of the BBS2 gene. It is expected to disrupt RNA splicing. Variants that disrupt the donor or acceptor splice site typically lead to a loss of protein function (PMID: 16199547), and loss-of-function variants in BBS2 are known to be pathogenic (PMID: 11285252, 20177705, 24608809, 26518167).

Literature cited by the submitters: PubMed 16199547 (cited by Labcorp Genetics (formerly Invitae), Labcorp); PubMed 11285252 (cited by Labcorp Genetics (formerly Invitae), Labcorp); PubMed 20177705 (cited by Labcorp Genetics (formerly Invitae), Labcorp); PubMed 24608809 (cited by Labcorp Genetics (formerly Invitae), Labcorp); PubMed 26518167 (cited by Labcorp Genetics (formerly Invitae), Labcorp).